The following is an entry in ClinVar:

NM_001754.5(RUNX1):c.255C>T (p.His85=)

Gene: RUNX1 (RUNX family transcription factor 1; minus strand). Cytogenetic location: 21q22.12.
Variant type: single nucleotide variant.
Coding change: c.255C>T on transcript NM_001754.5 (MANE Select); coding-DNA position 255, C replaced by T.
Protein change: p.His85=; no amino-acid change (histidine 85 retained).
Molecular consequence: synonymous variant.
Genome position (GRCh38, 1-based): chr21:34,886,939, G>A on the plus strand (C>T on the coding strand, the complement: RUNX1 is on the minus strand). VCF-style: chr21-34886939-G-A. GRCh37 (hg19) VCF-style: chr21-36259236-G-A.
Other names: NM_001754.5(RUNX1):c.255C>T; p.His85=; c.174C>T, p.His58= (NM_001001890.3, NM_001122607.2).
Identifiers: ClinVar variation 1094989 (VCV001094989.12), dbSNP rs56251824, ClinGen allele CA320642691.

ClinVar aggregate classification (germline): Likely benign. Review status: reviewed by expert panel (3 of 4 stars). 2 submissions from 2 submitters: Likely benign (1). 1 of the submissions does not count toward it. Last evaluated 2026-05-04.

Conditions:
Hereditary thrombocytopenia and hematologic cancer predisposition syndrome. Identifiers: Orphanet 71290, MedGen CN281654, MONDO:0011071.
Hereditary thrombocytopenia and hematological cancer predisposition syndrome associated with RUNX1. Also called: PLATELET DISORDER, ASPIRIN-LIKE; RUNX1 Familial Platelet Disorder with Associated Myeloid Malignancies; Familial Platelet Disorder with Propensity to Acute Myelogenous Leukemia; Familial thrombocytopenia with propensity to acute myelogenous leukemia. Identifiers: Orphanet 71290, MedGen C1832388, MeSH C563324, MONDO:0100083, OMIM 601399.

Allele frequency attached by ClinVar (database versions not stated): gnomAD exomes below 0.00001.
gnomAD v4.1: 4 of 1,613,008 alleles (0.00025%); highest among the groups gnomAD compares: Non-Finnish European, 0.00034%; no homozygotes.

Submissions (2):

ClinGen Myeloid Malignancy Variant Curation Expert Panel
Classification: Likely benign for Hereditary thrombocytopenia and hematologic cancer predisposition syndrome. Last evaluated: 2026-05-04. Review status: reviewed by expert panel. Criteria: ClinGen MyeloMalig ACMG Specifications V3.1. Collection method: curation. Allele origin: germline. Inheritance: Autosomal dominant inheritance.
Comment: NM_001754.5(RUNX1):c.255C>T (p.His85=) is a synonymous variant which has a SpliceAI score ≤ 0.20 (0.00) (BP4, BP7). This variant is completely absent from all population databases with at least 20x coverage for RUNX1 (PM2_supporting). In summary, this variant meets criteria to be classified as likely benign. ACMG/AMP criteria applied, as specified by the Myeloid Malignancy Variant Curation Expert Panel for RUNX1: BP4, BP7, PM2_supporting.

Labcorp Genetics (formerly Invitae), Labcorp
Classification: Likely benign for Hereditary thrombocytopenia and hematological cancer predisposition syndrome associated with RUNX1. Last evaluated: 2024-06-10. Review status: criteria provided, single submitter. Criteria: Invitae Variant Classification Sherloc (09022015). Collection method: clinical testing. Allele origin: germline. Not counted in ClinVar's aggregate classification.